The following is an entry in ClinVar:

NM_001165963.4(SCN1A):c.2985T>G (p.Phe995Leu)

Gene: SCN1A (sodium voltage-gated channel alpha subunit 1; minus strand). Cytogenetic location: 2q24.3.
Variant type: single nucleotide variant.
Coding change: c.2985T>G on transcript NM_001165963.4 (MANE Select); coding-DNA position 2985, T replaced by G.
Protein change: p.Phe995Leu; replaces phenylalanine 995 with leucine.
Molecular consequence: missense variant. On other transcripts: non-coding transcript variant (1).
Genome position (GRCh38, 1-based): chr2:166,036,492, A>C on the plus strand (T>G on the coding strand, the complement: SCN1A is on the minus strand). VCF-style: chr2-166036492-A-C. GRCh37 (hg19) VCF-style: chr2-166893002-A-C.
Other names: p.F995L:TTT>TTG; c.2901T>G, p.Phe967Leu (NM_001165964.3, NM_001353957.2, NM_001353958.2); c.2985T>G, p.Phe995Leu (NM_001202435.3, NM_001353948.2); c.2952T>G, p.Phe984Leu (NM_001353949.2, NM_001353950.2, NM_001353951.2 and 2 more transcripts); c.2949T>G, p.Phe983Leu (NM_001353954.2, NM_001353955.2); c.2898T>G, p.Phe966Leu (NM_001353960.2); c.543T>G, p.Phe181Leu (NM_001353961.2); short protein forms F984L, F995L, F967L, F983L, F181L, F966L.
Identifiers: ClinVar variation 189905 (VCV000189905.2), dbSNP rs794726746, ClinGen allele CA303267.

ClinVar aggregate classification (germline): Conflicting classifications of pathogenicity. Review status: criteria provided, conflicting classifications (1 of 4 stars). 2 submissions from 2 submitters: Pathogenic (1); Uncertain significance (1). Last evaluated 2014-12-20.

Conditions:
Severe myoclonic epilepsy in infancy (DRVT). Also called: Epileptic encephalopathy, early infantile, 6 (Dravet syndrome); SEVERE MYOCLONIC EPILEPSY OF INFANCY; DEVELOPMENTAL AND EPILEPTIC ENCEPHALOPATHY 6A; Severe Myoclonic Epilepsy in Infancy (SMEI); Dravet syndrome. Identifiers: Orphanet 33069, MedGen C0751122, MONDO:0100135, OMIM 607208.

Submissions (2):

Center for Bioinformatics, Peking University
Classification: Pathogenic for Dravet syndrome. Last evaluated: 2014-12-20. Review status: criteria provided, single submitter. Criteria: Xu et al. (Hum Mutat. 2015). Collection method: research. Allele origin: de novo. Affected: yes. Observed: 1 variant allele. Study: University Clinical Cooperation “985 Project” PKU-2014-1-1.
Comment: Dravet syndrome (DS) probands were recruited from the outpatient and inpatient child neurology units of Peking University First Hospital from 2005 till present. The study was approved by the Ethics Committee of Peking University First Hospital and the Institutional Review Board at Peking University. Participants or their parents provided written informed consent before enrollment. We collected a total of 267 mutations from 255 families with probands diagnosed with DS in China. All probands fulfilled the clinical diagnostic criteria.

GeneDx
Classification: Uncertain significance. Last evaluated: 2014-06-05. Review status: criteria provided, single submitter. Criteria: GeneDx Variant Classification (06012015). Collection method: clinical testing. Allele origin: germline. Affected: yes.
Comment: p.Phe995Leu (TTT>TTG): c.2985 T>G in exon 16 of the SCN1A gene (NM_001165963.1) The F995L missense variant has been reported in association with Dravet syndrome in an external mutation database; however no information about the variant was available in the publication. It was not observed in approximately 6,500 individuals of European and African American ancestry in the NHLBI Exome Sequencing Project, indicating it is not a common benign variant in these populations. This substitution occurs at a conserved position in the cytoplasmic loop between the second and third homologous domains, and several other missense mutations (L990F, S993R, D998G) have been reported in this region of the protein in association with epilepsy. Additionally, in silico analysis predicts this variant is probably damaging to the protein structure/function. However, it is a conservative amino acid substitution, which is not likely to impact secondary protein structure as these residues share similar properties. Therefore, based on the currently available information, it is unclear whether this variant is a pathogenic mutation or a rare benign variant.The variant is found in EPILEPSY panel(s).